The following is an entry in ClinVar:

ClinVar aggregate classification (germline): Uncertain significance (1 of 4 stars; one submission).

Submission:

Ambry Genetics
Classification: Uncertain significance. Last evaluated: 2024-11-29. Review status: criteria provided, single submitter. Criteria: Ambry Variant Classification Scheme 2023. Collection method: clinical testing. Allele origin: germline.
Comment: The p.L1180P variant (also known as c.3539T>C), located in coding exon 31 of the KIF1B gene, results from a T to C substitution at nucleotide position 3539. The leucine at codon 1180 is replaced by proline, an amino acid with similar properties. This amino acid position is highly conserved in available vertebrate species. In addition, this alteration is predicted to be deleterious by in silico analysis. The evidence for this gene-disease relationship is limited; therefore, the clinical significance of this alteration is unclear.

NM_001365951.3(KIF1B):c.3677T>C (p.Leu1226Pro)

Gene: KIF1B (kinesin family member 1B; plus strand). Cytogenetic location: 1p36.22.
Variant type: single nucleotide variant.
Coding change: c.3677T>C on transcript NM_001365951.3 (MANE Select); coding-DNA position 3677, T replaced by C.
Protein change: p.Leu1226Pro; replaces leucine 1226 with proline.
Molecular consequence: missense variant.
Genome position (GRCh38, 1-based): chr1:10,343,276, T>C. VCF-style: chr1-10343276-T-C. GRCh37 (hg19) VCF-style: chr1-10403334-T-C.
Other names: c.3677T>C, p.Leu1226Pro (NM_001365952.1); c.3539T>C, p.Leu1180Pro (NM_015074.3); short protein forms L1180P, L1226P.
Identifiers: ClinVar variation 1732432 (VCV001732432.3), dbSNP rs2521760673, ClinGen allele CA338342149.